The following is an entry in ClinVar:

NM_001377295.2(GNAT2):c.62A>G (p.Lys21Arg)

Gene: GNAT2 (G protein subunit alpha transducin 2; minus strand). Cytogenetic location: 1p13.3.
Variant type: single nucleotide variant.
Coding change: c.62A>G on transcript NM_001377295.2 (MANE Select); coding-DNA position 62, A replaced by G.
Protein change: p.Lys21Arg; replaces lysine 21 with arginine.
Molecular consequence: missense variant.
Genome position (GRCh38, 1-based): chr1:109,612,809, T>C on the plus strand (A>G on the coding strand, the complement: GNAT2 is on the minus strand). VCF-style: chr1-109612809-T-C. GRCh37 (hg19) VCF-style: chr1-110155431-T-C.
Other names: c.62A>G, p.Lys21Arg (NM_001379232.1, NM_005272.5); short protein forms K21R.
Identifiers: ClinVar variation 847548 (VCV000847548.6), dbSNP rs772291136, ClinGen allele CA992532.
Genomic context (GRCh38, chr1:109,612,809, plus strand): 5'-TCACCCAGCAGTAGCAGCTTGACAGTCTTGGCTTCCTTATCAGCATCCTCCTGCAGCTTC[T>C]TTTCTAGCTCCTTGGACCTCTTGGCCAGTTCTTTGTCCTCAGCACTGGCTCCACTTCCCA-3'
Protein context (NP_001364224.1, residues 11-31): ELAKRSKELE[Lys21Arg]KLQEDADKEA

ClinVar aggregate classification (germline): Uncertain significance (1 of 4 stars; one submission).

Allele frequency attached by ClinVar (database versions not stated): gnomAD 0.00001; gnomAD exomes 0.00001 and 0.00005; TOPMed 0.00003; ExAC 0.00005.
gnomAD v4.1: 15 of 1,613,586 alleles (0.00093%); highest among the groups gnomAD compares: Admixed American, 0.022%; no homozygotes.

Submission:

Labcorp Genetics (formerly Invitae), Labcorp
Classification: Uncertain significance. Last evaluated: 2022-11-01. Review status: criteria provided, single submitter. Criteria: Invitae Variant Classification Sherloc (09022015). Collection method: clinical testing. Allele origin: germline.
Comment: This sequence change replaces lysine, which is basic and polar, with arginine, which is basic and polar, at codon 21 of the GNAT2 protein (p.Lys21Arg). This variant is present in population databases (rs772291136, gnomAD 0.04%). This variant has not been reported in the literature in individuals affected with GNAT2-related conditions. ClinVar contains an entry for this variant (Variation ID: 847548). Advanced modeling of protein sequence and biophysical properties (such as structural, functional, and spatial information, amino acid conservation, physicochemical variation, residue mobility, and thermodynamic stability) performed at Invitae indicates that this missense variant is not expected to disrupt GNAT2 protein function. In summary, the available evidence is currently insufficient to determine the role of this variant in disease. Therefore, it has been classified as a Variant of Uncertain Significance.